The following is an entry in ClinVar:

ClinVar aggregate classification (germline): Uncertain significance (1 of 4 stars; one submission).

Conditions:
Axenfeld-Rieger syndrome type 3 (RIEG3). Also called: AXENFELD-RIEGER ANOMALY WITH CARDIAC DEFECTS AND/OR SENSORINEURAL HEARING LOSS. Identifiers: Orphanet 782, MedGen C2678503, MONDO:0011233, OMIM 602482.

Submission:

Labcorp Genetics (formerly Invitae), Labcorp
Classification: Uncertain significance for Axenfeld-Rieger syndrome type 3. Last evaluated: 2025-09-14. Review status: criteria provided, single submitter. Criteria: Invitae Variant Classification Sherloc (09022015). Collection method: clinical testing. Allele origin: germline.
Comment: This sequence change replaces valine, which is neutral and non-polar, with methionine, which is neutral and non-polar, at codon 46 of the FOXC1 protein (p.Val46Met). This variant is present in population databases (no rsID available, gnomAD 0.007%). This variant has not been reported in the literature in individuals affected with FOXC1-related conditions. An algorithm developed to predict the effect of missense changes on protein structure and function outputs the following: PolyPhen-2: "Benign". The methionine amino acid residue is found in multiple mammalian species, which suggests that this missense change does not adversely affect protein function. In summary, the available evidence is currently insufficient to determine the role of this variant in disease. Therefore, it has been classified as a Variant of Uncertain Significance.

NM_001453.3(FOXC1):c.136G>A (p.Val46Met)

Gene: FOXC1 (forkhead box C1; plus strand). Cytogenetic location: 6p25.3.
Variant type: single nucleotide variant.
Coding change: c.136G>A on transcript NM_001453.3 (MANE Select); coding-DNA position 136, G replaced by A.
Protein change: p.Val46Met; replaces valine 46 with methionine.
Molecular consequence: missense variant.
Genome position (GRCh38, 1-based): chr6:1,610,581, G>A. VCF-style: chr6-1610581-G-A. GRCh37 (hg19) VCF-style: chr6-1610816-G-A.
Other names: short protein forms V46M.
Identifiers: ClinVar variation 4762855 (VCV004762855.1).